The following is an entry in ClinVar:

ClinVar aggregate classification (germline): Conflicting classifications of pathogenicity. Review status: criteria provided, conflicting classifications (1 of 4 stars). 3 submissions from 3 submitters: Likely pathogenic (1); Uncertain significance (2). Last evaluated 2025-01-22.

Conditions:
L1CAM-related disorder. Also called: L1CAM-related condition.
L1CAM-related disorders.

Submissions (3):

PreventionGenetics, part of Exact Sciences
Classification: Uncertain significance for L1CAM-related condition. Last evaluated: 2025-01-22. Review status: criteria provided, single submitter. Criteria: ACMG Guidelines, 2015. Collection method: clinical testing. Allele origin: germline.
Comment: The L1CAM c.1156C>T variant is predicted to result in the amino acid substitution p.Arg386Cys. This variant was reported in an individual with X-linked hydrocephalus due to aqueductal stenosis (Table 1, Saugier-Veber et al. 1998. PubMed ID: 9744477). This variant has not been reported in a large population database (gnomAD), indicating it is rare. Although we suspect that this variant may be pathogenic, at this time, the clinical significance of this variant is uncertain due to the absence of conclusive functional and genetic evidence.

Blueprint Genetics
Classification: Likely pathogenic for L1CAM-related disorders. Last evaluated: 2024-02-20. Review status: criteria provided, single submitter. Criteria: ACMG Guidelines, 2015. Collection method: clinical testing. Allele origin: germline. Affected: yes. Observed: 2 variant alleles.

Laboratorio de Genetica e Diagnostico Molecular, Hospital Israelita Albert Einstein
Classification: Uncertain significance. Last evaluated: 2019-12-27. Review status: criteria provided, single submitter. Criteria: ACMG Guidelines, 2015. Collection method: clinical testing. Allele origin: germline. Affected: yes.
Comment: ACMG classification criteria: PS4, PM2, PM3, BP4

NM_001278116.2(L1CAM):c.1156C>T (p.Arg386Cys)

Gene: L1CAM (L1 cell adhesion molecule; minus strand). Cytogenetic location: Xq28.
Variant type: single nucleotide variant.
Coding change: c.1156C>T on transcript NM_001278116.2 (MANE Select); coding-DNA position 1156, C replaced by T.
Protein change: p.Arg386Cys; replaces arginine 386 with cysteine.
Molecular consequence: missense variant.
Genome position (GRCh38, 1-based): chrX:153,869,631, G>A on the plus strand (C>T on the coding strand, the complement: L1CAM is on the minus strand). VCF-style: chrX-153869631-G-A. GRCh37 (hg19) VCF-style: chrX-153135086-G-A.
Other names: c.1156C>T (NM_000425.4); c.1156C>T, p.Arg386Cys (NM_000425.5, NM_024003.3); c.1141C>T, p.Arg381Cys (NM_001143963.2); short protein forms R381C, R386C.
Identifiers: ClinVar variation 1690763 (VCV001690763.4), dbSNP rs1557092299, ClinGen allele CA415129947.
Genomic context (GRCh38, chrX:153,869,631, plus strand): 5'-CCTCACATTGGGTCACCATTGTGTCACTGGGCTGCACGTTGCTCAGGATCAGGGCGCCAC[G>A]CTGAATCCGGTACTTCTGGTCTTTGGCCAGCTCTGTGCATGCAGCAGGTGGGCCCATGGG-3'
Protein context (NP_001265045.1, residues 376-396): LAKDQKYRIQ[Arg386Cys]GALILSNVQP